The following is an entry in ClinVar:

NM_000166.6(GJB1):c.269T>C (p.Leu90Pro)

Gene: GJB1 (gap junction protein beta 1; plus strand). Cytogenetic location: Xq13.1.
Variant type: single nucleotide variant.
Coding change: c.269T>C on transcript NM_000166.6 (MANE Select); coding-DNA position 269, T replaced by C.
Protein change: p.Leu90Pro; replaces leucine 90 with proline.
Molecular consequence: missense variant.
Genome position (GRCh38, 1-based): chrX:71,223,976, T>C. VCF-style: chrX-71223976-T-C. GRCh37 (hg19) VCF-style: chrX-70443826-T-C.
Other names: c.269T>C, p.Leu90Pro (NM_001097642.3); short protein forms L90P.
Identifiers: ClinVar variation 851291 (VCV000851291.9), dbSNP rs1602349045, ClinGen allele CA413501716.

ClinVar aggregate classification (germline): Likely pathogenic (1 of 4 stars; one submission).

Conditions:
Charcot-Marie-Tooth Neuropathy X. Identifiers: MedGen CN118851.

Submission:

Labcorp Genetics (formerly Invitae), Labcorp
Classification: Likely pathogenic for Charcot-Marie-Tooth Neuropathy X. Last evaluated: 2019-02-08. Review status: criteria provided, single submitter. Criteria: Invitae Variant Classification Sherloc (09022015). Collection method: clinical testing. Allele origin: germline.
Comment: In summary, the currently available evidence indicates that the variant is pathogenic, but additional data are needed to prove that conclusively. Therefore, this variant has been classified as Likely Pathogenic. This variant disrupts the p.Leu90 amino acid residue in GJB1. Other variant(s) that disrupt this residue have been observed in individuals with GJB1-related conditions (PMID: 9018031, 9592087, 10737979, 26274329, 27804109), which suggests that this may be a clinically significant amino acid residue. This variant has been reported to affect GJB1 protein function (PMID: 27804109). This variant has been observed in individuals affected with Charcot-Marie Tooth disease (CMT) (PMID: 26274329, 27804109). This variant is not present in population databases (ExAC no frequency). This sequence change replaces leucine with proline at codon 90 of the GJB1 protein (p.Leu90Pro). The leucine residue is highly conserved and there is a moderate physicochemical difference between leucine and proline.

Literature cited by the submitters: PubMed 9018031; PubMed 9592087; PubMed 10737979; PubMed 26274329; PubMed 27804109.